The following is an entry in ClinVar:

ClinVar aggregate classification (germline): Uncertain significance (1 of 4 stars; one submission).

Allele frequency attached by ClinVar (database versions not stated): gnomAD 0.00001; 1000 Genomes Project 30x 0.00016; 1000 Genomes Project 0.00020.
gnomAD v4.1: 1 of 1,612,656 alleles (0.000062%); highest among the groups gnomAD compares: East Asian, 0.0022%; no homozygotes.

Submission:

Labcorp Genetics (formerly Invitae), Labcorp
Classification: Uncertain significance. Last evaluated: 2022-09-07. Review status: criteria provided, single submitter. Criteria: Invitae Variant Classification Sherloc (09022015). Collection method: clinical testing. Allele origin: germline.
Comment: In summary, the available evidence is currently insufficient to determine the role of this variant in disease. Therefore, it has been classified as a Variant of Uncertain Significance. Advanced modeling of protein sequence and biophysical properties (such as structural, functional, and spatial information, amino acid conservation, physicochemical variation, residue mobility, and thermodynamic stability) performed at Invitae indicates that this missense variant is expected to disrupt GRM6 protein function. ClinVar contains an entry for this variant (Variation ID: 1367174). This variant has not been reported in the literature in individuals affected with GRM6-related conditions. This variant is present in population databases (rs373757775, gnomAD 0.006%). This sequence change replaces glycine, which is neutral and non-polar, with cysteine, which is neutral and slightly polar, at codon 833 of the GRM6 protein (p.Gly833Cys).

NM_000843.4(GRM6):c.2497G>T (p.Gly833Cys)

Genes: GRM6 (glutamate metabotropic receptor 6; minus strand), ZNF454 (zinc finger protein 454; plus strand). Cytogenetic location: 5q35.3.
Variant type: single nucleotide variant.
Coding change: c.2497G>T on transcript NM_000843.4 (MANE Select); coding-DNA position 2497, G replaced by T.
Protein change: p.Gly833Cys; replaces glycine 833 with cysteine.
Molecular consequence: missense variant.
Genome position (GRCh38, 1-based): chr5:178,981,794, C>A on the plus strand (G>T on the coding strand, the complement: GRM6 is on the minus strand). VCF-style: chr5-178981794-C-A. GRCh37 (hg19) VCF-style: chr5-178408795-C-A.
Other names: short protein forms G833C.
Identifiers: ClinVar variation 1367174 (VCV001367174.7), dbSNP rs373757775, ClinGen allele CA3593520.